The following is an entry in ClinVar:

NM_014946.4(SPAST):c.1303C>T (p.Pro435Ser)

Gene: SPAST (spastin; plus strand). Cytogenetic location: 2p22.3.
Variant type: single nucleotide variant.
Coding change: c.1303C>T on transcript NM_014946.4 (MANE Select); coding-DNA position 1303, C replaced by T.
Protein change: p.Pro435Ser; replaces proline 435 with serine.
Molecular consequence: missense variant.
Genome position (GRCh38, 1-based): chr2:32,136,620, C>T. VCF-style: chr2-32136620-C-T. GRCh37 (hg19) VCF-style: chr2-32361689-C-T.
Other names: c.1300C>T, p.Pro434Ser (NM_001363823.2); c.1204C>T, p.Pro402Ser (NM_001363875.2); c.1207C>T, p.Pro403Ser (NM_001377959.1, NM_199436.2); short protein forms P435S, P402S, P434S, P403S.
Identifiers: ClinVar variation 423180 (VCV000423180.2), dbSNP rs1064796279, ClinGen allele CA16617529.

ClinVar aggregate classification (germline): Likely pathogenic (1 of 4 stars; one submission).

Submission:

GeneDx
Classification: Likely pathogenic. Last evaluated: 2017-08-11. Review status: criteria provided, single submitter. Criteria: GeneDx Variant Classification (06012015). Collection method: clinical testing. Allele origin: germline. Affected: yes.
Comment: The P435S variant has not been published as a pathogenic variant, nor has it been reported as a benign variant to our knowledge. A different missense substitution at the same position (P435L) has been reported in an individual with hereditary spastic paraplegia (Magariello et al., 2006). The P435S variant is not observed in large population cohorts (Lek et al., 2016; 1000 Genomes Consortium et al., 2015; Exome Variant Server). The P435S variant is a non-conservative amino acid substitution, which is likely to impact secondary protein structure as these residues differ in polarity, charge, size and/or other properties. Additionally, this substitution alters a conserved position in the AAA domain of the SPAST protein, which has been demonstrated to be an important functional domain for microtubule disassembly (Errico et al., 2002; Blackstone et al., 2011; Solowska et al., 2015). Furthermore, in silico analysis predicts this variant is probably damaging to the protein structure/function. Missense variants in a nearby residue (S436P, S436F) have been reported in the Human Gene Mutation Database in association with spastic paraplegia (Stenson et al., 2014). Therefore, this variant is likely pathogenic; however, the possibility that it is benign cannot be excluded.